The following is an entry in ClinVar:

NM_006206.6(PDGFRA):c.11C>T (p.Ser4Phe)

Gene: PDGFRA (platelet derived growth factor receptor alpha; plus strand). Cytogenetic location: 4q12.
Variant type: single nucleotide variant.
Coding change: c.11C>T on transcript NM_006206.6 (MANE Select); coding-DNA position 11, C replaced by T.
Protein change: p.Ser4Phe; replaces serine 4 with phenylalanine.
Molecular consequence: missense variant.
Genome position (GRCh38, 1-based): chr4:54,258,779, C>T. VCF-style: chr4-54258779-C-T. GRCh37 (hg19) VCF-style: chr4-55124946-C-T.
Other names: c.11C>T, p.Ser4Phe (NM_001347827.2, NM_001347829.2); c.86C>T, p.Ser29Phe (NM_001347828.2); c.50C>T, p.Ser17Phe (NM_001347830.2); short protein forms S4F, S29F, S17F.
Identifiers: ClinVar variation 458990 (VCV000458990.11), dbSNP rs138929755, ClinGen allele CA356888056.

ClinVar aggregate classification (germline): Uncertain significance. Review status: criteria provided, multiple submitters, no conflicts (2 of 4 stars). 3 submissions from 3 submitters: Uncertain significance (3). Last evaluated 2026-01-24.

Conditions:
Hereditary cancer-predisposing syndrome. Also called: Tumor predisposition; Hereditary neoplastic syndrome; Neoplastic Syndromes, Hereditary; Hereditary Cancer Syndrome. Identifiers: Orphanet 140162, MedGen C0027672, MeSH D009386, MONDO:0015356.
Polyps, multiple and recurrent inflammatory fibroid, gastrointestinal. Identifiers: MedGen C5193005, MONDO:0008285, OMIM 175510.
Gastrointestinal stromal tumor. Also called: Gastrointestinal stroma tumor; Gastrointestinal stromal tumor, somatic. Identifiers: Orphanet 44890, MedGen C0238198, MeSH D046152, MONDO:0011719, OMIM 606764, HP:0100723.

Allele frequency attached by ClinVar (database versions not stated): TOPMed 0.00002.
gnomAD v4.1: 13 of 1,613,392 alleles (0.00081%); highest among the groups gnomAD compares: Non-Finnish European, 0.0011%; no homozygotes.

Submissions (3):

Labcorp Genetics (formerly Invitae), Labcorp
Classification: Uncertain significance for Gastrointestinal stromal tumor. Last evaluated: 2026-01-24. Review status: criteria provided, single submitter. Criteria: Invitae Variant Classification Sherloc (09022015). Collection method: clinical testing. Allele origin: germline.
Comment: This sequence change replaces serine, which is neutral and polar, with phenylalanine, which is neutral and non-polar, at codon 4 of the PDGFRA protein (p.Ser4Phe). This variant is not present in population databases (gnomAD no frequency). This variant has not been reported in the literature in individuals affected with PDGFRA-related conditions. ClinVar contains an entry for this variant (Variation ID: 458990). An algorithm developed to predict the effect of missense changes on protein structure and function (PolyPhen-2) suggests that this variant is likely to be disruptive. In summary, the available evidence is currently insufficient to determine the role of this variant in disease. Therefore, it has been classified as a Variant of Uncertain Significance.

Ambry Genetics
Classification: Uncertain significance for Hereditary cancer-predisposing syndrome. Last evaluated: 2025-01-14. Review status: criteria provided, single submitter. Criteria: Ambry Variant Classification Scheme 2023. Collection method: clinical testing. Allele origin: germline.
Comment: The p.S4F variant (also known as c.11C>T), located in coding exon 1 of the PDGFRA gene, results from a C to T substitution at nucleotide position 11. The serine at codon 4 is replaced by phenylalanine, an amino acid with highly dissimilar properties. This amino acid position is not well conserved in available vertebrate species. In addition, this alteration is predicted to be tolerated by in silico analysis. Based on the available evidence, the clinical significance of this variant remains unclear.

Baylor Genetics
Classification: Uncertain significance for Polyps, multiple and recurrent inflammatory fibroid, gastrointestinal. Last evaluated: 2024-01-04. Review status: criteria provided, single submitter. Criteria: ACMG Guidelines, 2015. Collection method: clinical testing. Allele origin: unknown.